The following is an entry in ClinVar:

ClinVar aggregate classification (germline): Conflicting classifications of pathogenicity. Review status: criteria provided, conflicting classifications (1 of 4 stars). 10 submissions from 10 submitters: Pathogenic (1); Likely pathogenic (1); Uncertain significance (7). 1 of the submissions does not count toward it. Last evaluated 2026-02-03.

Conditions:
PROM1-related disorder. Also called: PROM1-related condition; PROM1-related disorders.
Retinal dystrophy. Also called: Inherited retinal dystrophy. Identifiers: Orphanet 71862, MedGen C0854723, MeSH D058499, MONDO:0019118, HP:0000556.
Retinitis pigmentosa 41 (RP41). Also called: RETINAL DEGENERATION, AUTOSOMAL RECESSIVE, PROMININ-RELATED. Identifiers: Orphanet 791, MedGen C2677516, MONDO:0012796, OMIM 612095.
Retinal macular dystrophy type 2 (MCDR2). Also called: Bull's eye macular dystrophy. Identifiers: Orphanet 319640, MedGen C4749334, MONDO:0011957, OMIM 608051.
Cone-rod dystrophy 12 (CORD12). Identifiers: Orphanet 1872, MedGen C2675210, MONDO:0012983, OMIM 612657.
Stargardt disease 4 (STGD4). Identifiers: Orphanet 827, MedGen C1863534, MONDO:0011370, OMIM 603786.

Allele frequency attached by ClinVar (database versions not stated): gnomAD exomes 0.00002 and 0.00004; ExAC 0.00006.
gnomAD v4.1: 29 of 1,609,510 alleles (0.0018%); highest among the groups gnomAD compares: South Asian, 0.03%; 1 homozygote.

Submissions (10):

PreventionGenetics, part of Exact Sciences
Classification: Uncertain significance for PROM1-related condition. Last evaluated: 2026-02-03. Review status: criteria provided, single submitter. Criteria: ACMG Guidelines, 2015. Collection method: clinical testing. Allele origin: germline.
Comment: The PROM1 c.1632G>T variant is not predicted to result in an amino acid change (p.=). This variant has been reported in individuals with retinal disease (Table S5, Ellingford et al. 2016. PubMed ID: 27208204; Table S2, Weisschuh et al. 2020. PubMed ID: 32531858; Areblom et al. 2023. PubMed ID: 37510321; Table S1, Lin et al. 2024. PubMed ID: 38219857). However, this variant is often reported along with the PROM1 c.1946C>T (p.Ser649Leu) variant. This variant is present in 0.031% of alleles in individuals of South Asian descent in gnomAD, and the variant co-occurrence calculation indicates this variant is a part of the same haplotype as c.1946C>T (p.Ser649Leu). At this time, the clinical significance of this variant is uncertain due to the absence of conclusive functional and genetic evidence.

3billion
Classification: Uncertain significance for Retinitis pigmentosa 41. Last evaluated: 2025-07-21. Review status: criteria provided, single submitter. Criteria: ACMG Guidelines, 2015. Collection method: clinical testing. Allele origin: germline. Affected: yes.
Comment: The variant is observed at an extremely low frequency in the gnomAD v4.1.0 dataset (total allele frequency: 0.002%). Predicted Consequence/Location: Synonymous variant In silico tools predict the variant to alter splicing and produce an abnormal transcript [SpliceAI: 0.88 (>=0.2, moderate evidence for spliceogenicity)]. The variant has been reported at least twice as pathogenic without evidence for the classification (ClinVar ID: VCV000236524, PMID: 27208204). However, the evidence of pathogenicity is insufficient at this time. Therefore, this variant is classified as VUS according to the recommendation of ACMG/AMP guideline.

Revvity Omics, Revvity
Classification: Uncertain significance. Last evaluated: 2025-07-15. Review status: criteria provided, single submitter. Criteria: ACMG Guidelines, 2015. Collection method: clinical testing. Allele origin: germline.

Labcorp Genetics (formerly Invitae), Labcorp
Classification: Uncertain significance. Last evaluated: 2025-02-09. Review status: criteria provided, single submitter. Criteria: Invitae Variant Classification Sherloc (09022015). Collection method: clinical testing. Allele origin: germline.
Comment: This sequence change affects codon 544 of the PROM1 mRNA. It is a 'silent' change, meaning that it does not change the encoded amino acid sequence of the PROM1 protein. This variant is present in population databases (rs753308387, gnomAD 0.03%). This variant has been observed in individual(s) with inherited retinal disease (PMID: 27208204, 32531858, 37510321). ClinVar contains an entry for this variant (Variation ID: 236524). Algorithms developed to predict the effect of sequence changes on RNA splicing suggest that this variant may disrupt the consensus splice site. In summary, the available evidence is currently insufficient to determine the role of this variant in disease. Therefore, it has been classified as a Variant of Uncertain Significance.

Blueprint Genetics
Classification: Pathogenic for PROM1-related disorders. Last evaluated: 2024-07-23. Review status: criteria provided, single submitter. Criteria: ACMG Guidelines, 2015. Collection method: clinical testing. Allele origin: germline. Affected: yes. Observed: 5 variant alleles.

GeneDx
Classification: Uncertain significance. Last evaluated: 2022-02-07. Review status: criteria provided, single submitter. Criteria: GeneDx Variant Classification Process June 2021. Collection method: clinical testing. Allele origin: germline. Affected: yes.
Comment: Observed with a second PROM1 variant in unrelated patients with retinitis pigmentosa or rod-cone dystrophy in published literature, but it is not known whether the variants occurred on the same (in cis) or on different (in trans) chromosomes in all cases (Ellingford et al., 2016); In silico analysis supports a deleterious effect on splicing; This variant is associated with the following publications: (PMID: 27208204)

Institute of Human Genetics, Univ. Regensburg, Univ. Regensburg
Classification: Likely pathogenic for Retinal dystrophy. Last evaluated: 2019-01-01. Review status: criteria provided, single submitter. Criteria: ACMG Guidelines, 2015. Collection method: clinical testing. Allele origin: germline. Affected: yes.

Fulgent Genetics
Classification: Uncertain significance for Stargardt disease 4; Retinal macular dystrophy type 2; Retinitis pigmentosa 41; Cone-rod dystrophy 12. Last evaluated: 2018-10-31. Review status: criteria provided, single submitter. Criteria: ACMG Guidelines, 2015. Collection method: clinical testing. Allele origin: unknown.

CeGaT Center for Human Genetics Tuebingen
Classification: Uncertain significance. Last evaluated: 2016-10-01. Review status: criteria provided, single submitter. Criteria: CeGaT Center For Human Genetics Tuebingen Variant Classification Criteria Version 2. Collection method: clinical testing. Allele origin: germline. Affected: yes. Observed: 1 variant allele.

Centre for Genomic Medicine, Manchester, Central Manchester University Hospitals
Classification: Uncertain significance for Retinal dystrophy. Review status: no assertion criteria provided. Collection method: clinical testing. Allele origin: germline. Affected: yes. Not counted in ClinVar's aggregate classification.

Literature cited by the submitters: PubMed 27208204 (cited by Labcorp Genetics (formerly Invitae), Labcorp and Institute of Human Genetics, Univ. Regensburg, Univ. Regensburg); PubMed 32531858 (cited by Labcorp Genetics (formerly Invitae), Labcorp); PubMed 37510321 (cited by Labcorp Genetics (formerly Invitae), Labcorp); PubMed 3253185 (cited by Institute of Human Genetics, Univ. Regensburg, Univ. Regensburg).

NM_006017.3(PROM1):c.1632G>T (p.Gly544=)

Gene: PROM1 (prominin 1; minus strand). Cytogenetic location: 4p15.32.
Variant type: single nucleotide variant.
Coding change: c.1632G>T on transcript NM_006017.3 (MANE Select); coding-DNA position 1632, G replaced by T.
Protein change: p.Gly544=; no amino-acid change (glycine 544 retained).
Molecular consequence: synonymous variant.
Genome position (GRCh38, 1-based): chr4:15,998,435, C>A on the plus strand (G>T on the coding strand, the complement: PROM1 is on the minus strand). VCF-style: chr4-15998435-C-A. GRCh37 (hg19) VCF-style: chr4-16000058-C-A.
Other names: c.1605G>T, p.Gly535= (NM_001145847.2, NM_001145848.2, NM_001145851.2 and 4 more transcripts); c.1632G>T, p.Gly544= (NM_001145849.2, NM_001145850.2).
Identifiers: ClinVar variation 236524 (VCV000236524.55), dbSNP rs753308387, ClinGen allele CA2866701.
Genomic context (GRCh38, chr4:15,998,435, plus strand): 5'-ATATTGATACCTGTAAACTTGTTCAAAAGTGAGCTTCATTTTTGATTTATTAAATAGCTT[C>A]CCAGAGAGATAGTATTCCCAGTCTTCATTTAGTAAGTAGGGTGTATCCAAAACCTAGAAC-3'
Protein context (NP_006008.1, residues 534-554): LNEDWEYYLS[Gly544=]KLFNKSKMKL